The following is an entry in ClinVar:

ClinVar aggregate classification (germline): Uncertain significance. Review status: criteria provided, multiple submitters, no conflicts (2 of 4 stars). 3 submissions from 3 submitters: Uncertain significance (3). Last evaluated 2025-04-09.

Conditions:
PCNT-related disorder. Also called: PCNT-related condition.
Inborn genetic diseases. Identifiers: MedGen C0950123, MeSH D030342.

Allele frequency attached by ClinVar (database versions not stated): TOPMed 0.00003.
gnomAD v4.1: 3 of 1,612,766 alleles (0.00019%); highest among the groups gnomAD compares: Admixed American, 0.0033%; no homozygotes.

Submissions (3):

PreventionGenetics, part of Exact Sciences
Classification: Uncertain significance for PCNT-related condition. Last evaluated: 2025-04-09. Review status: criteria provided, single submitter. Criteria: ACMG Guidelines, 2015. Collection method: clinical testing. Allele origin: germline.
Comment: The PCNT c.5632G>A variant is predicted to result in the amino acid substitution p.Asp1878Asn. To our knowledge, this variant has not been reported in the literature. This variant is reported in 0.0029% of alleles in individuals of Latino descent in gnomAD. At this time, the clinical significance of this variant is uncertain due to the absence of conclusive functional and genetic evidence.

Ambry Genetics
Classification: Uncertain significance for Inborn genetic diseases. Last evaluated: 2024-03-04. Review status: criteria provided, single submitter. Criteria: Ambry Variant Classification Scheme 2023. Collection method: clinical testing. Allele origin: germline.

Labcorp Genetics (formerly Invitae), Labcorp
Classification: Uncertain significance. Last evaluated: 2022-04-04. Review status: criteria provided, single submitter. Criteria: Invitae Variant Classification Sherloc (09022015). Collection method: clinical testing. Allele origin: germline.
Comment: This sequence change replaces aspartic acid, which is acidic and polar, with asparagine, which is neutral and polar, at codon 1878 of the PCNT protein (p.Asp1878Asn). This variant is present in population databases (rs756428673, gnomAD 0.003%). This variant has not been reported in the literature in individuals affected with PCNT-related conditions. Algorithms developed to predict the effect of missense changes on protein structure and function output the following: SIFT: "Tolerated"; PolyPhen-2: "Benign"; Align-GVGD: "Class C0". The asparagine amino acid residue is found in multiple mammalian species, which suggests that this missense change does not adversely affect protein function. In summary, the available evidence is currently insufficient to determine the role of this variant in disease. Therefore, it has been classified as a Variant of Uncertain Significance.

NM_006031.6(PCNT):c.5632G>A (p.Asp1878Asn)

Gene: PCNT (pericentrin; plus strand). Cytogenetic location: 21q22.3.
Variant type: single nucleotide variant.
Coding change: c.5632G>A on transcript NM_006031.6 (MANE Select); coding-DNA position 5632, G replaced by A.
Protein change: p.Asp1878Asn; replaces aspartic acid 1878 with asparagine.
Molecular consequence: missense variant.
Genome position (GRCh38, 1-based): chr21:46,411,705, G>A. VCF-style: chr21-46411705-G-A. GRCh37 (hg19) VCF-style: chr21-47831619-G-A.
Other names: c.5278G>A, p.Asp1760Asn (NM_001315529.2); c.5632G>A (NM_006031.5); short protein forms D1878N, D1760N.
Identifiers: ClinVar variation 2078550 (VCV002078550.3), dbSNP rs756428673, ClinGen allele CA10080043.